The following is an entry in ClinVar:

ClinVar aggregate classification (germline): Uncertain significance (1 of 4 stars; one submission).

Conditions:
Autosomal recessive limb-girdle muscular dystrophy type 2O. Also called: Limb-Girdle Muscular Dystrophy Type 3C; MUSCULAR DYSTROPHY-DYSTROGLYCANOPATHY (LIMB-GIRDLE), TYPE C, 3; MUSCULAR DYSTROPHY-DYSTROGLYCANOPATHY, LIMB-GIRDLE, POMGNT1-RELATED. Identifiers: Orphanet 206564, MedGen C3150417, MONDO:0013161, OMIM 613157.
Muscular dystrophy-dystroglycanopathy (congenital with impaired intellectual development), type B, 3. Also called: Muscular dystrophy-dystroglycanopathy (congenital with intellectual disability), type B3; MUSCULAR DYSTROPHY, CONGENITAL, POMGNT1-RELATED. Identifiers: MedGen C3150412, MONDO:0013155, OMIM 613151.

gnomAD v4.1: 1 of 1,614,190 alleles (0.000062%); highest among the groups gnomAD compares: Admixed American, 0.0017%; no homozygotes.

Submission:

Labcorp Genetics (formerly Invitae), Labcorp
Classification: Uncertain significance for Autosomal recessive limb-girdle muscular dystrophy type 2O; Muscular dystrophy-dystroglycanopathy (congenital with impaired intellectual development), type B, 3. Last evaluated: 2023-12-06. Review status: criteria provided, single submitter. Criteria: Invitae Variant Classification Sherloc (09022015). Collection method: clinical testing. Allele origin: germline.
Comment: This sequence change replaces isoleucine, which is neutral and non-polar, with methionine, which is neutral and non-polar, at codon 10 of the POMGNT1 protein (p.Ile10Met). The frequency data for this variant in the population databases is considered unreliable, as metrics indicate poor data quality at this position in the gnomAD database. This variant has not been reported in the literature in individuals affected with POMGNT1-related conditions. ClinVar contains an entry for this variant (Variation ID: 1475734). Advanced modeling of protein sequence and biophysical properties (such as structural, functional, and spatial information, amino acid conservation, physicochemical variation, residue mobility, and thermodynamic stability) performed at Invitae indicates that this missense variant is not expected to disrupt POMGNT1 protein function with a negative predictive value of 95%. In summary, the available evidence is currently insufficient to determine the role of this variant in disease. Therefore, it has been classified as a Variant of Uncertain Significance.

NM_017739.4(POMGNT1):c.30C>G (p.Ile10Met)

Gene: POMGNT1 (protein O-linked mannose N-acetylglucosaminyltransferase 1 (beta 1,2-); minus strand). Cytogenetic location: 1p34.1.
Variant type: single nucleotide variant.
Coding change: c.30C>G on transcript NM_017739.4 (MANE Select); coding-DNA position 30, C replaced by G.
Protein change: p.Ile10Met; replaces isoleucine 10 with methionine.
Molecular consequence: missense variant.
Genome position (GRCh38, 1-based): chr1:46,197,792, G>C on the plus strand (C>G on the coding strand, the complement: POMGNT1 is on the minus strand). VCF-style: chr1-46197792-G-C. GRCh37 (hg19) VCF-style: chr1-46663464-G-C.
Other names: c.30C>G, p.Ile10Met (NM_001243766.2); short protein forms I10M.
Identifiers: ClinVar variation 1475734 (VCV001475734.8), dbSNP rs781102649, ClinGen allele CA340193175.